The following is an entry in ClinVar:

NM_006129.5(BMP1):c.747C>G (p.Phe249Leu)

Gene: BMP1 (bone morphogenetic protein 1; plus strand). Cytogenetic location: 8p21.3.
Variant type: single nucleotide variant.
Coding change: c.747C>G on transcript NM_006129.5 (MANE Select); coding-DNA position 747, C replaced by G.
Protein change: p.Phe249Leu; replaces phenylalanine 249 with leucine.
Molecular consequence: missense variant. On other transcripts: non-coding transcript variant (2).
Genome position (GRCh38, 1-based): chr8:22,177,868, C>G. VCF-style: chr8-22177868-C-G. GRCh37 (hg19) VCF-style: chr8-22035381-C-G.
Other names: c.747C>G, p.Phe249Leu (NM_001199.4); short protein forms F249L.
Identifiers: ClinVar variation 37306 (VCV000037306.2), dbSNP rs398122891, ClinGen allele CA130155.

ClinVar aggregate classification (germline): Likely pathogenic. Review status: criteria provided, single submitter (1 of 4 stars). 2 submissions from 2 submitters: Likely pathogenic (1). 1 of the submissions does not count toward it. Last evaluated 2022-05-22.

Conditions:
Osteogenesis imperfecta type 13. Also called: Osteogenesis imperfecta, type xiii; OI, TYPE XIII. Identifiers: Orphanet 666, MedGen C3553887, MONDO:0013924, OMIM 614856.

Submissions (2):

3billion
Classification: Likely pathogenic for Osteogenesis imperfecta type 13. Last evaluated: 2022-05-22. Review status: criteria provided, single submitter. Criteria: ACMG Guidelines, 2015. Collection method: clinical testing. Allele origin: germline. Affected: yes. Observed: 1 homozygote.
Comment: The variant is not observed in the gnomAD v2.1.1 dataset. Missense changes are a common disease-causing mechanism. Functional studies provide moderate evidence of the variant having a damaging effect on the gene or gene product (PMID:22052668). In silico tool predictions suggest damaging effect of the variant on gene or gene product (REVEL: 0.62; 3Cnet: 0.48). Same nucleotide change resulting in same amino acid change has been previously reported to be associated with BMP1 related disorder (ClinVar ID: VCV000037306 / PMID: 22052668). The variant has been reported to be in trans with a pathogenic variant as either compound heterozygous or homozygous in at least one similarly affected unrelated individual (PMID: 22052668) and to co-segregate with the disease in at least one similarly affected relative/individual in the same family or similarly affected unrelated family (PMID:22052668). Therefore, this variant is classified as likely pathogenic according to the recommendation of ACMG/AMP guideline.

OMIM
Classification: Pathogenic for OSTEOGENESIS IMPERFECTA, TYPE XIII. Last evaluated: 2014-05-01. Review status: no assertion criteria provided. Collection method: literature only. Allele origin: germline. Not counted in ClinVar's aggregate classification.

Literature cited by the submitters: PubMed 22052668 (cited by 3billion and OMIM); PubMed 24648371 (cited by OMIM).